The following is an entry in ClinVar:

ClinVar aggregate classification (germline): Pathogenic (1 of 4 stars; one submission).

Submission:

GeneDx
Classification: Pathogenic. Last evaluated: 2025-03-31. Review status: criteria provided, single submitter. Criteria: GeneDx Variant Classification Process June 2021. Collection method: clinical testing. Allele origin: germline. Affected: yes.
Comment: Nonsense variant predicted to result in protein truncation or nonsense mediated decay in a gene for which loss of function is a known mechanism of disease; Not observed at significant frequency in large population cohorts (gnomAD); Has not been previously published as pathogenic or benign to our knowledge

NM_004444.5(EPHB4):c.2418C>A (p.Tyr806Ter)

Genes: EPHB4 (EPH receptor B4; minus strand), LOC126860124 (CDK7 strongly-dependent group 2 enhancer GRCh37_chr7:100403701-100404900; plus strand). Cytogenetic location: 7q22.1.
Variant type: single nucleotide variant.
Coding change: c.2418C>A on transcript NM_004444.5 (MANE Select); coding-DNA position 2418, C replaced by A.
Protein change: p.Tyr806Ter; replaces tyrosine 806 with a stop codon.
Molecular consequence: nonsense.
Genome position (GRCh38, 1-based): chr7:100,806,486, G>T on the plus strand (C>A on the coding strand, the complement: EPHB4 is on the minus strand). VCF-style: chr7-100806486-G-T. GRCh37 (hg19) VCF-style: chr7-100404108-G-T.
Other names: short protein forms Y806*.
Identifiers: ClinVar variation 4278607 (VCV004278607.1).
Genomic context (GRCh38, chr7:100,806,486, plus strand): 5'-ATTGCTCATGTCCCAGTACGGCCTCTCCCCAAATGACATCACCTCCCACATCACAATCCC[G>T]TAACTCCAGGCATCACTGGCGGAAGTGAACTTCCGGAAGGCAATGGCCTCCGGGGCAGTC-3'